The following is an entry in ClinVar:

NM_000466.3(PEX1):c.2069A>G (p.His690Arg)

Gene: PEX1 (peroxisomal biogenesis factor 1; minus strand). Cytogenetic location: 7q21.2.
Variant type: single nucleotide variant.
Coding change: c.2069A>G on transcript NM_000466.3 (MANE Select); coding-DNA position 2069, A replaced by G.
Protein change: p.His690Arg; replaces histidine 690 with arginine.
Molecular consequence: missense variant. On other transcripts: intron variant (1).
Genome position (GRCh38, 1-based): chr7:92,504,734, T>C on the plus strand (A>G on the coding strand, the complement: PEX1 is on the minus strand). VCF-style: chr7-92504734-T-C. GRCh37 (hg19) VCF-style: chr7-92134048-T-C.
Other names: c.1445A>G, p.His482Arg (NM_001282678.2); c.1900+1514A>G (NM_001282677.2); short protein forms H482R, H690R.
Identifiers: ClinVar variation 2135927 (VCV002135927.1), dbSNP rs2484668169, ClinGen allele CA368182748.

ClinVar aggregate classification (germline): Uncertain significance (1 of 4 stars; one submission).

Conditions:
Zellweger spectrum disorders (ZS). Also called: Zellweger syndrome; Zellweger Spectrum Disorder; Zellweger Spectrum; Zellweger Spectrum Disorder (ZSD). Identifiers: Orphanet 912, MedGen C0043459, MONDO:0019609.

Allele frequency attached by ClinVar (database versions not stated): gnomAD exomes below 0.00001.
gnomAD v4.1: 1 of 1,613,968 alleles (0.000062%); highest among the groups gnomAD compares: Non-Finnish European, 0.000085%; no homozygotes.

Submission:

Labcorp Genetics (formerly Invitae), Labcorp
Classification: Uncertain significance for Zellweger spectrum disorders. Last evaluated: 2022-05-09. Review status: criteria provided, single submitter. Criteria: Invitae Variant Classification Sherloc (09022015). Collection method: clinical testing. Allele origin: germline.
Comment: This sequence change replaces histidine, which is basic and polar, with arginine, which is basic and polar, at codon 690 of the PEX1 protein (p.His690Arg). This variant is not present in population databases (gnomAD no frequency). This variant has not been reported in the literature in individuals affected with PEX1-related conditions. Algorithms developed to predict the effect of missense changes on protein structure and function (SIFT, PolyPhen-2, Align-GVGD) all suggest that this variant is likely to be tolerated. Algorithms developed to predict the effect of sequence changes on RNA splicing suggest that this variant may create or strengthen a splice site. In summary, the available evidence is currently insufficient to determine the role of this variant in disease. Therefore, it has been classified as a Variant of Uncertain Significance.